The following is an entry in ClinVar:

ClinVar aggregate classification (germline): Conflicting classifications of pathogenicity. Review status: criteria provided, conflicting classifications (1 of 4 stars). 4 submissions from 4 submitters: Uncertain significance (2); Likely benign (2). Last evaluated 2024-09-12.

Conditions:
Familial thoracic aortic aneurysm and aortic dissection (TAAD). Also called: Thoracic aortic aneurysms and dissections. Identifiers: Orphanet 91387, MedGen C4707243, MONDO:0019625.
Ehlers-Danlos syndrome, type 4 (EDSVASC). Also called: Ehlers-Danlos Syndrome Type IV; Ehlers-Danlos syndrome vascular type; Ehlers Danlos syndrome, ecchymotic type; Ehlers Danlos syndrome, arterial type; Ehlers Danlos syndrome, Sack-Barabas type. Identifiers: Orphanet 286, MedGen C0268338, MONDO:0017314, OMIM 130050.

Allele frequency attached by ClinVar (database versions not stated): gnomAD exomes 0.00001; ExAC 0.00002; gnomAD 0.00003 and 0.00004; TOPMed 0.00003.
gnomAD v4.1: 6 of 1,612,820 alleles (0.00037%); highest among the groups gnomAD compares: African/African-American, 0.008%; no homozygotes.

Submissions (4):

Color Diagnostics, LLC DBA Color Health
Classification: Likely benign for Familial thoracic aortic aneurysm and aortic dissection. Last evaluated: 2024-09-12. Review status: criteria provided, single submitter. Criteria: ACMG Guidelines, 2015. Collection method: clinical testing. Allele origin: germline.

GeneDx
Classification: Uncertain significance. Last evaluated: 2024-04-16. Review status: criteria provided, single submitter. Criteria: GeneDx Variant Classification Process June 2021. Collection method: clinical testing. Allele origin: germline. Affected: yes.
Comment: Not observed at significant frequency in large population cohorts (gnomAD); In silico analysis indicates that this missense variant does not alter protein structure/function; Has not been previously published as pathogenic or benign to our knowledge; Not located in the triple helical region, where the majority of pathogenic missense variants occur (HGMD)

All of Us Research Program, National Institutes of Health
Classification: Likely benign for Ehlers-Danlos syndrome, type 4. Last evaluated: 2023-12-13. Review status: criteria provided, single submitter. Criteria: ACMG Guidelines, 2015. Collection method: clinical testing. Allele origin: germline. Inheritance: Autosomal dominant inheritance. Observed: 1 variant allele, 1 heterozygote.
Comment: This study involves interpretation of variants in research participants for the purpose of population health screening. Participant phenotype was not available at the time of variant classification. Additional details can be found in publication PMID: 35346344, PMCID: PMC8962531

Labcorp Genetics (formerly Invitae), Labcorp
Classification: Uncertain significance for Ehlers-Danlos syndrome, type 4. Last evaluated: 2022-10-02. Review status: criteria provided, single submitter. Criteria: Invitae Variant Classification Sherloc (09022015). Collection method: clinical testing. Allele origin: germline.
Comment: In summary, the available evidence is currently insufficient to determine the role of this variant in disease. Therefore, it has been classified as a Variant of Uncertain Significance. Advanced modeling of protein sequence and biophysical properties (such as structural, functional, and spatial information, amino acid conservation, physicochemical variation, residue mobility, and thermodynamic stability) performed at Invitae indicates that this missense variant is not expected to disrupt COL3A1 protein function. ClinVar contains an entry for this variant (Variation ID: 918785). This variant has not been reported in the literature in individuals affected with COL3A1-related conditions. This variant is present in population databases (rs760482912, gnomAD 0.02%). This sequence change replaces glutamic acid, which is acidic and polar, with aspartic acid, which is acidic and polar, at codon 29 of the COL3A1 protein (p.Glu29Asp).

NM_000090.4(COL3A1):c.87A>C (p.Glu29Asp)

Gene: COL3A1 (collagen type III alpha 1 chain; plus strand). Cytogenetic location: 2q32.2.
Variant type: single nucleotide variant.
Coding change: c.87A>C on transcript NM_000090.4 (MANE Select); coding-DNA position 87, A replaced by C.
Protein change: p.Glu29Asp; replaces glutamic acid 29 with aspartic acid.
Molecular consequence: missense variant.
Genome position (GRCh38, 1-based): chr2:188,984,767, A>C. VCF-style: chr2-188984767-A-C. GRCh37 (hg19) VCF-style: chr2-189849493-A-C.
Other names: short protein forms E29D.
Identifiers: ClinVar variation 918785 (VCV000918785.10), dbSNP rs760482912, ClinGen allele CA077021.
Genomic context (GRCh38, chr2:188,984,767, plus strand): 5'-TCACCTTTCAGCAAAACCTAAGGAAACTTCACGTCATCTAACTTGTTTTTCAGCTGTTGA[A>C]GGAGGATGTTCCCATCTTGGTCAGTCCTATGCGGATAGAGATGTCTGGAAGCCAGAACCA-3'
Protein context (NP_000081.2, residues 19-39): TIILAQQEAV[Glu29Asp]GGCSHLGQSY